The following is an entry in ClinVar:

NM_139027.6(ADAMTS13):c.335C>G (p.Ala112Gly)

Gene: ADAMTS13 (ADAM metallopeptidase with thrombospondin type 1 motif 13; plus strand). Cytogenetic location: 9q34.2.
Variant type: single nucleotide variant.
Coding change: c.335C>G on transcript NM_139027.6 (MANE Select); coding-DNA position 335, C replaced by G.
Protein change: p.Ala112Gly; replaces alanine 112 with glycine.
Molecular consequence: missense variant. On other transcripts: non-coding transcript variant (1).
Genome position (GRCh38, 1-based): chr9:133,425,533, C>G. VCF-style: chr9-133425533-C-G. GRCh37 (hg19) VCF-style: chr9-136290653-C-G.
Other names: c.335C>G, p.Ala112Gly (NM_139025.5, NM_139026.6); short protein forms A112G.
Identifiers: ClinVar variation 2011857 (VCV002011857.4), dbSNP rs1840223153, ClinGen allele CA375707341.

ClinVar aggregate classification (germline): Uncertain significance (1 of 4 stars; one submission).

Allele frequency attached by ClinVar (database versions not stated): TOPMed 0.00001.

Submission:

Labcorp Genetics (formerly Invitae), Labcorp
Classification: Uncertain significance. Last evaluated: 2023-12-09. Review status: criteria provided, single submitter. Criteria: Invitae Variant Classification Sherloc (09022015). Collection method: clinical testing. Allele origin: germline.
Comment: This sequence change replaces alanine, which is neutral and non-polar, with glycine, which is neutral and non-polar, at codon 112 of the ADAMTS13 protein (p.Ala112Gly). This variant is not present in population databases (gnomAD no frequency). This variant has not been reported in the literature in individuals affected with ADAMTS13-related conditions. ClinVar contains an entry for this variant (Variation ID: 2011857). Advanced modeling of protein sequence and biophysical properties (such as structural, functional, and spatial information, amino acid conservation, physicochemical variation, residue mobility, and thermodynamic stability) performed at Invitae indicates that this missense variant is not expected to disrupt ADAMTS13 protein function with a negative predictive value of 80%. In summary, the available evidence is currently insufficient to determine the role of this variant in disease. Therefore, it has been classified as a Variant of Uncertain Significance.